The following is an entry in ClinVar:

ClinVar aggregate classification (germline): Benign. Review status: criteria provided, single submitter (1 of 4 stars). 2 submissions from 2 submitters: Benign (1). 1 of the submissions does not count toward it. Last evaluated 2019-12-31.

Conditions:
DNAH2-related disorder. Also called: DNAH2-related condition.

Allele frequency attached by ClinVar (database versions not stated): gnomAD exomes 0.00062 and 0.00159; ExAC 0.00214; 1000 Genomes Project 0.00579; 1000 Genomes Project 30x 0.00609; gnomAD 0.00643 and 0.00710; ESP Exome Variant Server 0.00730; TOPMed 0.00740.
gnomAD v4.1: 1,907 of 1,613,432 alleles (0.12%); highest among the groups gnomAD compares: African/African-American, 2.3%; 17 homozygotes.

Submissions (2):

Labcorp Genetics (formerly Invitae), Labcorp
Classification: Benign. Last evaluated: 2019-12-31. Review status: criteria provided, single submitter. Criteria: Invitae Variant Classification Sherloc (09022015). Collection method: clinical testing. Allele origin: germline.

PreventionGenetics, part of Exact Sciences
Classification: Likely benign for DNAH2-related condition. Last evaluated: 2019-03-15. Review status: no assertion criteria provided. Collection method: clinical testing. Allele origin: germline. Not counted in ClinVar's aggregate classification.
Comment: This variant is classified as likely benign based on ACMG/AMP sequence variant interpretation guidelines (Richards et al. 2015 PMID: 25741868, with internal and published modifications).

NM_020877.5(DNAH2):c.1632T>C (p.Tyr544=)

Gene: DNAH2 (dynein axonemal heavy chain 2; plus strand). Cytogenetic location: 17p13.1.
Variant type: single nucleotide variant.
Coding change: c.1632T>C on transcript NM_020877.5 (MANE Select); coding-DNA position 1632, T replaced by C.
Protein change: p.Tyr544=; no amino-acid change (tyrosine 544 retained).
Molecular consequence: synonymous variant.
Genome position (GRCh38, 1-based): chr17:7,740,935, T>C. VCF-style: chr17-7740935-T-C. GRCh37 (hg19) VCF-style: chr17-7644253-T-C.
Other names: c.1878T>C, p.Tyr626= (NM_001303270.2).
Identifiers: ClinVar variation 716226 (VCV000716226.6), dbSNP rs78694185, ClinGen allele CA8356199.
Genomic context (GRCh38, chr17:7,740,935, plus strand): 5'-CCTGGTGAACCGTGAACGGAACAAGAAATGGCCAGACCTGGAGCCCTACGTGGCCCAGTA[T>C]TCCGGAAAGGCGCGCTGGGTGCACATCCTCCGGCGTCGCATCGACAGAGTCATGACCGTA-3'
Protein context (NP_065928.2, residues 534-554): WPDLEPYVAQ[Tyr544=]SGKARWVHIL